The following is an entry in ClinVar:

NM_000395.3(CSF2RB):c.2114C>G (p.Pro705Arg)

Gene: CSF2RB (colony stimulating factor 2 receptor subunit beta; plus strand). Cytogenetic location: 22q12.3.
Variant type: single nucleotide variant.
Coding change: c.2114C>G on transcript NM_000395.3 (MANE Select); coding-DNA position 2114, C replaced by G.
Protein change: p.Pro705Arg; replaces proline 705 with arginine.
Molecular consequence: missense variant.
Genome position (GRCh38, 1-based): chr22:36,937,922, C>G. VCF-style: chr22-36937922-C-G. GRCh37 (hg19) VCF-style: chr22-37333964-C-G.
Other names: c.2132C>G, p.Pro711Arg (NM_001410827.1); short protein forms P705R, P711R.
Identifiers: ClinVar variation 4746856 (VCV004746856.1).

ClinVar aggregate classification (germline): Uncertain significance (1 of 4 stars; one submission).

Submission:

Labcorp Genetics (formerly Invitae), Labcorp
Classification: Uncertain significance. Last evaluated: 2025-06-17. Review status: criteria provided, single submitter. Criteria: Invitae Variant Classification Sherloc (09022015). Collection method: clinical testing. Allele origin: germline.
Comment: This sequence change replaces proline, which is neutral and non-polar, with arginine, which is basic and polar, at codon 705 of the CSF2RB protein (p.Pro705Arg). This variant is not present in population databases (gnomAD no frequency). This variant has not been reported in the literature in individuals affected with CSF2RB-related conditions. Invitae Evidence Modeling of protein sequence and biophysical properties (such as structural, functional, and spatial information, amino acid conservation, physicochemical variation, residue mobility, and thermodynamic stability) indicates that this missense variant is not expected to disrupt CSF2RB protein function with a negative predictive value of 80%. In summary, the available evidence is currently insufficient to determine the role of this variant in disease. Therefore, it has been classified as a Variant of Uncertain Significance.